The following is an entry in ClinVar:

ClinVar aggregate classification (germline): Uncertain significance (1 of 4 stars; one submission).

Allele frequency attached by ClinVar (database versions not stated): ExAC 0.00001; gnomAD 0.00001; gnomAD exomes 0.00001.
gnomAD v4.1: 18 of 1,559,932 alleles (0.0012%); highest among the groups gnomAD compares: African/African-American, 0.0014%; no homozygotes.

Submission:

Ambry Genetics
Classification: Uncertain significance. Last evaluated: 2024-03-17. Review status: criteria provided, single submitter. Criteria: Ambry Variant Classification Scheme 2023. Collection method: clinical testing. Allele origin: germline.
Comment: The p.V486A variant (also known as c.1457T>C), located in coding exon 9 of the POLQ gene, results from a T to C substitution at nucleotide position 1457. The valine at codon 486 is replaced by alanine, an amino acid with similar properties. This amino acid position is conserved. In addition, this alteration is predicted to be tolerated by in silico analysis. Since supporting evidence is limited at this time, the clinical significance of this alteration remains unclear.

NM_199420.4(POLQ):c.1457T>C (p.Val486Ala)

Gene: POLQ (DNA polymerase theta; minus strand). Cytogenetic location: 3q13.33.
Variant type: single nucleotide variant.
Coding change: c.1457T>C on transcript NM_199420.4 (MANE Select); coding-DNA position 1457, T replaced by C.
Protein change: p.Val486Ala; replaces valine 486 with alanine.
Molecular consequence: missense variant.
Genome position (GRCh38, 1-based): chr3:121,519,882, A>G on the plus strand (T>C on the coding strand, the complement: POLQ is on the minus strand). VCF-style: chr3-121519882-A-G. GRCh37 (hg19) VCF-style: chr3-121238729-A-G.
Other names: short protein forms V486A.
Identifiers: ClinVar variation 1773079 (VCV001773079.2), dbSNP rs753209191, ClinGen allele CA2563536.